The following is an entry in ClinVar:

NM_012448.4(STAT5B):c.550+5G>A

Gene: STAT5B (signal transducer and activator of transcription 5B; minus strand). Cytogenetic location: 17q21.2.
Variant type: single nucleotide variant.
Coding change: c.550+5G>A on transcript NM_012448.4 (MANE Select); 5 bases into the intron after coding-DNA position 550, G replaced by A.
Molecular consequence: intron variant.
Genome position (GRCh38, 1-based): chr17:42,223,377, C>T on the plus strand (G>A on the coding strand, the complement: STAT5B is on the minus strand). VCF-style: chr17-42223377-C-T. GRCh37 (hg19) VCF-style: chr17-40375395-C-T.
Identifiers: ClinVar variation 648019 (VCV000648019.7), dbSNP rs773246323, ClinGen allele CA8574263.

ClinVar aggregate classification (germline): Uncertain significance (1 of 4 stars; one submission).

Conditions:
Growth hormone insensitivity with immune dysregulation 1, autosomal recessive. Also called: LARON SYNDROME DUE TO POSTRECEPTOR DEFECT; GROWTH HORMONE INSENSITIVITY SYNDROME WITH IMMUNE DYSREGULATION 1, AUTOSOMAL RECESSIVE; GROWTH HORMONE INSENSITIVITY DUE TO POSTRECEPTOR DEFECT; Laron syndrome with immunodeficiency. Identifiers: Orphanet 220465, MedGen C5435698, MONDO:0100211, OMIM 245590.

Allele frequency attached by ClinVar (database versions not stated): gnomAD exomes 0.00001 and 0.00003; ExAC 0.00004; TOPMed 0.00008; gnomAD 0.00010 and 0.00011.
gnomAD v4.1: 30 of 1,614,084 alleles (0.0019%); highest among the groups gnomAD compares: African/African-American, 0.039%; no homozygotes.

Submission:

Labcorp Genetics (formerly Invitae), Labcorp
Classification: Uncertain significance for Growth hormone insensitivity with immune dysregulation 1, autosomal recessive. Last evaluated: 2025-02-10. Review status: criteria provided, single submitter. Criteria: Invitae Variant Classification Sherloc (09022015). Collection method: clinical testing. Allele origin: germline.
Comment: This sequence change falls in intron 5 of the STAT5B gene. It does not directly change the encoded amino acid sequence of the STAT5B protein. It affects a nucleotide within the consensus splice site. This variant is present in population databases (rs773246323, gnomAD 0.05%). This variant has not been reported in the literature in individuals affected with STAT5B-related conditions. ClinVar contains an entry for this variant (Variation ID: 648019). Variants that disrupt the consensus splice site are a relatively common cause of aberrant splicing (PMID: 17576681, 9536098). Algorithms developed to predict the effect of sequence changes on RNA splicing suggest that this variant is not likely to affect RNA splicing. In summary, the available evidence is currently insufficient to determine the role of this variant in disease. Therefore, it has been classified as a Variant of Uncertain Significance.

Literature cited by the submitters: PubMed 17576681; PubMed 9536098.